The following is an entry in ClinVar:

ClinVar aggregate classification (germline): Conflicting classifications of pathogenicity. Review status: criteria provided, conflicting classifications (1 of 4 stars). 4 submissions from 4 submitters: Uncertain significance (2); Likely benign (1). 1 of the submissions does not count toward it. Last evaluated 2025-11-07.

Conditions:
Ullrich congenital muscular dystrophy 2 (UCMD2). Identifiers: Orphanet 75840, MedGen C4225314, MONDO:0014654, OMIM 616470.
Bethlem myopathy 2 (BTHLM2). Identifiers: Orphanet 536516, Orphanet 610, MedGen C4225313, MONDO:0034022, OMIM 616471.
Inborn genetic diseases. Identifiers: MedGen C0950123, MeSH D030342.

Allele frequency attached by ClinVar (database versions not stated): gnomAD exomes below 0.00001; ExAC 0.00001; gnomAD 0.00006; TOPMed 0.00010; 1000 Genomes Project 30x 0.00031.
gnomAD v4.1: 9 of 1,614,258 alleles (0.00056%); highest among the groups gnomAD compares: African/African-American, 0.012%; no homozygotes.

Submissions (4):

Ambry Genetics
Classification: Uncertain significance for Inborn genetic diseases. Last evaluated: 2025-11-07. Review status: criteria provided, single submitter. Criteria: Ambry Variant Classification Scheme 2023. Collection method: clinical testing. Allele origin: germline.

Labcorp Genetics (formerly Invitae), Labcorp
Classification: Likely benign for Bethlem myopathy 2; Ullrich congenital muscular dystrophy 2. Last evaluated: 2024-05-07. Review status: criteria provided, single submitter. Criteria: Invitae Variant Classification Sherloc (09022015). Collection method: clinical testing. Allele origin: germline.

Breakthrough Genomics
Classification: Uncertain significance. Review status: criteria provided, single submitter. Criteria: ACMG Guidelines, 2015. Collection method: not provided. Allele origin: germline. Inheritance: Autosomal recessive inheritance. Affected: yes.

Department of Pathology and Laboratory Medicine, Sinai Health System
Classification: Uncertain significance. Review status: no assertion criteria provided. Collection method: clinical testing. Allele origin: unknown. Affected: yes. Study: The Canadian Open Genetics Repository (COGR). Not counted in ClinVar's aggregate classification.
Comment: The COL12A1 p.Tyr525Phe variant was not identified in the literature nor was it identified in ClinVar or LOVD 3.0. The variant was identified in dbSNP (ID: rs756100330) and in control databases in 1 of 249404 chromosomes at a frequency of 0.00000401 (Genome Aggregation Database March 6, 2019, v2.1.1). The variant was observed in the African population in 1 of 15484 chromosomes (freq: 0.000065), but was not observed in the Latino, Ashkenazi Jewish, East Asian, European (Finnish), European (non-Finnish), Other, and South Asian populations. The p.Tyr525 residue is conserved in mammals and computational analyses (PolyPhen-2, SIFT, AlignGVGD, BLOSUM, MutationTaster) provide inconsistent predictions regarding the impact to the protein; this information is not very predictive of pathogenicity. The variant occurs outside of the splicing consensus sequence and in silico or computational prediction software programs (SpliceSiteFinder, MaxEntScan, NNSPLICE, GeneSplicer) do not predict a difference in splicing. In summary, based on the above information the clinical significance of this variant cannot be determined with certainty at this time. This variant is classified as a variant of uncertain significance.

NM_004370.6(COL12A1):c.1574A>T (p.Tyr525Phe)

Gene: COL12A1 (collagen type XII alpha 1 chain; minus strand). Cytogenetic location: 6q13.
Variant type: single nucleotide variant.
Coding change: c.1574A>T on transcript NM_004370.6 (MANE Select); coding-DNA position 1574, A replaced by T.
Protein change: p.Tyr525Phe; replaces tyrosine 525 with phenylalanine.
Molecular consequence: missense variant. On other transcripts: intron variant (1).
Genome position (GRCh38, 1-based): chr6:75,183,367, T>A on the plus strand (A>T on the coding strand, the complement: COL12A1 is on the minus strand). VCF-style: chr6-75183367-T-A. GRCh37 (hg19) VCF-style: chr6-75893083-T-A.
Other names: c.73+19353A>T (NM_080645.3); c.1574A>T (NM_004370.5); short protein forms Y525F.
Identifiers: ClinVar variation 1049088 (VCV001049088.6), dbSNP rs756100330, ClinGen allele CA3894171.